The following is an entry in ClinVar:

ClinVar aggregate classification (germline): Pathogenic (1 of 4 stars; one submission).

Conditions:
Spastic paraplegia. Identifiers: MedGen C0037772, HP:0001258.

Submission:

Labcorp Genetics (formerly Invitae), Labcorp
Classification: Pathogenic for Spastic paraplegia. Last evaluated: 2018-12-03. Review status: criteria provided, single submitter. Criteria: Invitae Variant Classification Sherloc (09022015). Collection method: clinical testing. Allele origin: germline.
Comment: For these reasons, this variant has been classified as Pathogenic. This variant disrupts the C-terminus of the SACS protein. Other variant(s) that disrupt this region (p.Arg3903*) have been determined to be pathogenic (PMID: 19892370, 21745802). This suggests that variants that disrupt this region of the protein are likely to be causative of disease. This variant has not been reported in the literature in individuals with SACS-related conditions. This variant is a gross deletion of the genomic region encompassing exons 5-10 of the SACS gene. The 5' boundary is likely confined to intron 4. The 3' end of this event is unknown as it extends through the termination codon beyond the assayed region for this gene and may encompass additional genes. While this deletion is not anticipated to result in nonsense mediated decay, it is expected to create a truncated protein product or disrupt mRNA translation.

Literature cited by the submitters: PubMed 19892370; PubMed 21745802.

NC_000013.11:g.(?_23093196)_(23368497_?)del

Genes: LINC00362 (long intergenic non-protein coding RNA 362; minus strand), SACS (sacsin molecular chaperone; minus strand), SGCG (sarcoglycan gamma; plus strand), LOC130009363 (ATAC-STARR-seq lymphoblastoid active region 7450; plus strand), LOC130009362 (ATAC-STARR-seq lymphoblastoid active region 7449; plus strand) and 2 more. Cytogenetic location: 13q12.12.
Variant type: Deletion.
Identifiers: ClinVar variation 644837 (VCV000644837.8).